The following is an entry in ClinVar:

ClinVar aggregate classification (germline): Uncertain significance (1 of 4 stars; one submission).

Conditions:
Galactosylceramide beta-galactosidase deficiency. Also called: Leukodystrophy, Globoid Cell; GALACTOCEREBROSIDASE DEFICIENCY; GALC DEFICIENCY; GLOBOID CELL LEUKOENCEPHALOPATHY; Krabbe Disease. Identifiers: Orphanet 487, MedGen C0023521, MONDO:0009499, OMIM 245200.

gnomAD v4.1: 37 of 1,585,270 alleles (0.0023%); highest among the groups gnomAD compares: Non-Finnish European, 0.0029%; no homozygotes.

Submission:

Labcorp Genetics (formerly Invitae), Labcorp
Classification: Uncertain significance for Galactosylceramide beta-galactosidase deficiency. Last evaluated: 2025-11-14. Review status: criteria provided, single submitter. Criteria: Invitae Variant Classification Sherloc (09022015). Collection method: clinical testing. Allele origin: germline.
Comment: This sequence change replaces arginine, which is basic and polar, with leucine, which is neutral and non-polar, at codon 13 of the GALC protein (p.Arg13Leu). The frequency data for this variant in the population databases is considered unreliable, as metrics indicate poor data quality at this position in the gnomAD database. This variant has not been reported in the literature in individuals affected with GALC-related conditions. Invitae Evidence Modeling of protein sequence and biophysical properties (such as structural, functional, and spatial information, amino acid conservation, physicochemical variation, residue mobility, and thermodynamic stability) indicates that this missense variant is not expected to disrupt GALC protein function with a negative predictive value of 95%. In summary, the available evidence is currently insufficient to determine the role of this variant in disease. Therefore, it has been classified as a Variant of Uncertain Significance.

NM_000153.4(GALC):c.38G>T (p.Arg13Leu)

Gene: GALC (galactosylceramidase; minus strand). Cytogenetic location: 14q31.3.
Variant type: single nucleotide variant.
Coding change: c.38G>T on transcript NM_000153.4 (MANE Select); coding-DNA position 38, G replaced by T.
Protein change: p.Arg13Leu; replaces arginine 13 with leucine.
Molecular consequence: missense variant. On other transcripts: 5 prime UTR variant (3), non-coding transcript variant (1), intron variant (2).
Genome position (GRCh38, 1-based): chr14:87,993,127, C>A on the plus strand (G>T on the coding strand, the complement: GALC is on the minus strand). VCF-style: chr14-87993127-C-A. GRCh37 (hg19) VCF-style: chr14-88459471-C-A.
Other names: c.38G>T, p.Arg13Leu (NM_001201401.2); c.-233G>T (NM_001424072.1); c.-399G>T (NM_001424075.1); c.-630G>T (NM_001424077.1); c.-473+256G>T (NM_001424076.1); c.117+256G>T (NM_001201402.2); short protein forms R13L.
Identifiers: ClinVar variation 4739335 (VCV004739335.1).
Genomic context (GRCh38, chr14:87,993,127, plus strand): 5'-AGCAGCAAGGGCACCGCGGCGCGGCCCGCCGAACCCGCGGCCGCAGTCATAGCTTTCGCT[C>A]GGCGTTGCCAGGAAGCCGAGAGTAGCCACTCAGCCATTGTGTGGGTCACATGACTCCGGC-3'
Protein context (NP_000144.2, residues 3-23): EWLLSASWQR[Arg13Leu]AKAMTAAAGS